The following is an entry in ClinVar:

NM_000092.5(COL4A4):c.3679G>A (p.Gly1227Arg)

Gene: COL4A4 (collagen type IV alpha 4 chain; minus strand). Cytogenetic location: 2q36.3.
Variant type: single nucleotide variant.
Coding change: c.3679G>A on transcript NM_000092.5 (MANE Select); coding-DNA position 3679, G replaced by A.
Protein change: p.Gly1227Arg; replaces glycine 1227 with arginine.
Molecular consequence: missense variant.
Genome position (GRCh38, 1-based): chr2:227,032,175, C>T on the plus strand (G>A on the coding strand, the complement: COL4A4 is on the minus strand). VCF-style: chr2-227032175-C-T. GRCh37 (hg19) VCF-style: chr2-227896891-C-T.
Other names: short protein forms G1227R.
Identifiers: ClinVar variation 1006737 (VCV001006737.10), dbSNP rs1968570122, ClinGen allele CA350837777.

ClinVar aggregate classification (germline): Conflicting classifications of pathogenicity. Review status: criteria provided, conflicting classifications (1 of 4 stars). 3 submissions from 3 submitters: Likely pathogenic (1); Uncertain significance (2). Last evaluated 2025-04-17.

Conditions:
Alport syndrome. Also called: Hemorrhagic familial nephritis; Hemorrhagic hereditary nephritis; Congenital hereditary hematuria. Identifiers: Orphanet 63, MedGen C1567741, MONDO:0018965.

Allele frequency attached by ClinVar (database versions not stated): TOPMed below 0.00001.

Submissions (3):

Labcorp Genetics (formerly Invitae), Labcorp
Classification: Uncertain significance. Last evaluated: 2025-04-17. Review status: criteria provided, single submitter. Criteria: Invitae Variant Classification Sherloc (09022015). Collection method: clinical testing. Allele origin: germline.
Comment: This sequence change replaces glycine, which is neutral and non-polar, with arginine, which is basic and polar, at codon 1227 of the COL4A4 protein (p.Gly1227Arg). This variant is not present in population databases (gnomAD no frequency). This missense change has been observed in individual(s) with clinical features of COL4A4-related conditions (internal data). ClinVar contains an entry for this variant (Variation ID: 1006737). Invitae Evidence Modeling of protein sequence and biophysical properties (such as structural, functional, and spatial information, amino acid conservation, physicochemical variation, residue mobility, and thermodynamic stability) indicates that this missense variant is expected to disrupt COL4A4 protein function with a positive predictive value of 95%. In summary, the available evidence is currently insufficient to determine the role of this variant in disease. Therefore, it has been classified as a Variant of Uncertain Significance.

Myriad Genetics, Inc.
Classification: Likely pathogenic for Alport syndrome. Last evaluated: 2025-02-27. Review status: criteria provided, single submitter. Criteria: Myriad Autosomal Dominant, Autosomal Recessive and X-Linked Classification Criteria (2023). Collection method: clinical testing. Allele origin: unknown.
Comment: NM_000092.4(COL4A4):c.3679G>A(G1227R) is a missense variant classified as likely pathogenic in the context of Alport syndrome, COL4A4-related. G1227R has been observed in a case with relevant disease (PMID: Alkanderi_2019_(Thesis)). Relevant functional assessments of this variant are not available in the literature. Internal structural analysis of the variant is supportive of pathogenicity. G1227R has not been observed in referenced population frequency databases. In summary, NM_000092.4(COL4A4):c.3679G>A(G1227R) is a missense variant that has internal structural support for pathogenicity and has been observed more frequently in cases with the relevant disease than in healthy populations. Please note: this variant was assessed in the context of healthy population screening.

Blueprint Genetics
Classification: Uncertain significance. Last evaluated: 2023-10-17. Review status: criteria provided, single submitter. Criteria: ACMG Guidelines, 2015. Collection method: clinical testing. Allele origin: germline.